The following is an entry in ClinVar:

NM_000051.4(ATM):c.8903T>A (p.Leu2968Ter)

Genes: ATM (ATM serine/threonine kinase; plus strand), C11orf65 (chromosome 11 open reading frame 65; minus strand). Cytogenetic location: 11q22.3.
Variant type: single nucleotide variant.
Coding change: c.8903T>A on transcript NM_000051.4 (MANE Select); coding-DNA position 8903, T replaced by A.
Protein change: p.Leu2968Ter; replaces leucine 2968 with a stop codon.
Molecular consequence: nonsense. On other transcripts: intron variant (2).
Genome position (GRCh38, 1-based): chr11:108,365,134, T>A. VCF-style: chr11-108365134-T-A. GRCh37 (hg19) VCF-style: chr11-108235861-T-A.
Other names: c.8903T>A, p.Leu2968Ter (NM_001351834.2); c.640+20786A>T (NM_001330368.2); c.694+20786A>T (NM_001351110.2); short protein forms L2968*.
Identifiers: ClinVar variation 453754 (VCV000453754.10), dbSNP rs1555151315, ClinGen allele CA382529828.

ClinVar aggregate classification (germline): Pathogenic. Review status: criteria provided, multiple submitters, no conflicts (2 of 4 stars). 2 submissions from 2 submitters: Pathogenic (2). Last evaluated 2024-07-12.

Conditions:
Ataxia-telangiectasia syndrome (AT). Also called: LOUIS-BAR SYNDROME; Cerebello-oculocutaneous telangiectasia; Immunodeficiency with ataxia telangiectasia; Ataxia-telangiectasia, complementation group D; AT, COMPLEMENTATION GROUP C; Ataxia-telangiectasia, complementation group E. Identifiers: Orphanet 100, MedGen C0004135, MONDO:0008840, OMIM 208900.
Familial cancer of breast. Also called: Hereditary breast cancer; BREAST CANCER, FAMILIAL; hereditary breast carcinoma. Identifiers: Orphanet 227535, MedGen C0346153, MONDO:0016419, OMIM 114480. Disease mechanism: loss of function.

Submissions (2):

Labcorp Genetics (formerly Invitae), Labcorp
Classification: Pathogenic for Ataxia-telangiectasia syndrome. Last evaluated: 2024-07-12. Review status: criteria provided, single submitter. Criteria: Invitae Variant Classification Sherloc (09022015). Collection method: clinical testing. Allele origin: germline.
Comment: This sequence change creates a premature translational stop signal (p.Leu2968*) in the ATM gene. It is expected to result in an absent or disrupted protein product. Loss-of-function variants in ATM are known to be pathogenic (PMID: 23807571, 25614872). This variant is not present in population databases (gnomAD no frequency). This premature translational stop signal has been observed in individual(s) with ataxia-telangiectasia (Invitae). ClinVar contains an entry for this variant (Variation ID: 453754). For these reasons, this variant has been classified as Pathogenic.

Myriad Genetics, Inc.
Classification: Pathogenic for Familial cancer of breast. Last evaluated: 2024-02-06. Review status: criteria provided, single submitter. Criteria: Myriad Autosomal Dominant, Autosomal Recessive and X-Linked Classification Criteria (2023). Collection method: clinical testing. Allele origin: unknown.
Comment: This variant is considered pathogenic. This variant creates a termination codon and is predicted to result in premature protein truncation.

Literature cited by the submitters: PubMed 23807571 (cited by Labcorp Genetics (formerly Invitae), Labcorp); PubMed 25614872 (cited by Labcorp Genetics (formerly Invitae), Labcorp).